The following is an entry in ClinVar:

NM_012418.4(FSCN2):c.1286G>C (p.Gly429Ala)

Gene: FSCN2 (fascin actin-bundling protein 2, retinal; plus strand). Cytogenetic location: 17q25.3.
Variant type: single nucleotide variant.
Coding change: c.1286G>C on transcript NM_012418.4 (MANE Select); coding-DNA position 1286, G replaced by C.
Protein change: p.Gly429Ala; replaces glycine 429 with alanine.
Molecular consequence: missense variant.
Genome position (GRCh38, 1-based): chr17:81,536,887, G>C. VCF-style: chr17-81536887-G-C. GRCh37 (hg19) VCF-style: chr17-79503913-G-C.
Other names: c.1358G>C, p.Gly453Ala (NM_001077182.3); short protein forms G429A, G453A.
Identifiers: ClinVar variation 858124 (VCV000858124.11), dbSNP rs759209396, ClinGen allele CA401478404.

ClinVar aggregate classification (germline): Uncertain significance. Review status: criteria provided, multiple submitters, no conflicts (2 of 4 stars). 2 submissions from 2 submitters: Uncertain significance (2). Last evaluated 2025-11-12.

Allele frequency attached by ClinVar (database versions not stated): TOPMed 0.00003.
gnomAD v4.1: 4 of 1,574,690 alleles (0.00025%); highest among the groups gnomAD compares: African/African-American, 0.0027%; no homozygotes.

Submissions (2):

Ambry Genetics
Classification: Uncertain significance. Last evaluated: 2025-11-12. Review status: criteria provided, single submitter. Criteria: Ambry Variant Classification Scheme 2023. Collection method: clinical testing. Allele origin: germline.

Labcorp Genetics (formerly Invitae), Labcorp
Classification: Uncertain significance. Last evaluated: 2024-02-24. Review status: criteria provided, single submitter. Criteria: Invitae Variant Classification Sherloc (09022015). Collection method: clinical testing. Allele origin: germline.
Comment: This sequence change replaces glycine, which is neutral and non-polar, with alanine, which is neutral and non-polar, at codon 453 of the FSCN2 protein (p.Gly453Ala). This variant is present in population databases (no rsID available, gnomAD 0.003%). This variant has not been reported in the literature in individuals affected with FSCN2-related conditions. ClinVar contains an entry for this variant (Variation ID: 858124). An algorithm developed to predict the effect of missense changes on protein structure and function (PolyPhen-2) suggests that this variant is likely to be tolerated. In summary, the available evidence is currently insufficient to determine the role of this variant in disease. Therefore, it has been classified as a Variant of Uncertain Significance.